The following is an entry in ClinVar:

ClinVar aggregate classification (germline): Uncertain significance (1 of 4 stars; one submission).

gnomAD v4.1: 30 of 1,613,402 alleles (0.0019%); highest among the groups gnomAD compares: East Asian, 0.0022%; no homozygotes.

Submission:

Labcorp Genetics (formerly Invitae), Labcorp
Classification: Uncertain significance. Last evaluated: 2025-09-28. Review status: criteria provided, single submitter. Criteria: Invitae Variant Classification Sherloc (09022015). Collection method: clinical testing. Allele origin: germline.
Comment: This sequence change replaces arginine, which is basic and polar, with cysteine, which is neutral and slightly polar, at codon 367 of the ITGB4 protein (p.Arg367Cys). This variant is present in population databases (rs779037959, gnomAD 0.006%). This variant has not been reported in the literature in individuals affected with ITGB4-related conditions. Invitae Evidence Modeling of protein sequence and biophysical properties (such as structural, functional, and spatial information, amino acid conservation, physicochemical variation, residue mobility, and thermodynamic stability) has been performed for this missense variant. However, the output from this modeling did not meet the statistical confidence thresholds required to predict the impact of this variant on ITGB4 protein function. In summary, the available evidence is currently insufficient to determine the role of this variant in disease. Therefore, it has been classified as a Variant of Uncertain Significance.

NM_000213.5(ITGB4):c.1099C>T (p.Arg367Cys)

Gene: ITGB4 (integrin subunit beta 4; plus strand). Cytogenetic location: 17q25.1.
Variant type: single nucleotide variant.
Coding change: c.1099C>T on transcript NM_000213.5 (MANE Select); coding-DNA position 1099, C replaced by T.
Protein change: p.Arg367Cys; replaces arginine 367 with cysteine.
Molecular consequence: missense variant.
Genome position (GRCh38, 1-based): chr17:75,731,252, C>T. VCF-style: chr17-75731252-C-T. GRCh37 (hg19) VCF-style: chr17-73727333-C-T.
Other names: c.1099C>T, p.Arg367Cys (NM_001005619.2, NM_001005731.3, NM_001321123.2 and 1 more transcripts); short protein forms R367C.
Identifiers: ClinVar variation 4738260 (VCV004738260.1).